The following is an entry in ClinVar:

NM_000169.3(GLA):c.962A>T (p.Gln321Leu)

Genes: GLA (galactosidase alpha; minus strand), RPL36A-HNRNPH2 (RPL36A-HNRNPH2 readthrough; plus strand). Cytogenetic location: Xq22.1.
Variant type: single nucleotide variant.
Coding change: c.962A>T on transcript NM_000169.3 (MANE Select); coding-DNA position 962, A replaced by T.
Protein change: p.Gln321Leu; replaces glutamine 321 with leucine.
Molecular consequence: missense variant. On other transcripts: non-coding transcript variant (3), intron variant (2).
Genome position (GRCh38, 1-based): chrX:101,398,407, T>A on the plus strand (A>T on the coding strand, the complement: GLA is on the minus strand). VCF-style: chrX-101398407-T-A. GRCh37 (hg19) VCF-style: chrX-100653395-T-A.
Other names: c.1085A>T, p.Gln362Leu (NM_001406747.1); c.962A>T, p.Gln321Leu (NM_001406748.1); c.300+2950T>A (NM_001199973.2); c.177+6585T>A (NM_001199974.2); short protein forms Q321L, Q362L.
Identifiers: ClinVar variation 4087604 (VCV004087604.2).

ClinVar aggregate classification (germline): Likely pathogenic (1 of 4 stars; one submission).

Conditions:
Fabry disease. Also called: ALPHA-GALACTOSIDASE A DEFICIENCY; ANDERSON-FABRY DISEASE; CERAMIDE TRIHEXOSIDASE DEFICIENCY; GLA DEFICIENCY; HEREDITARY DYSTOPIC LIPIDOSIS; Angiokeratoma corporis diffusum. Identifiers: Orphanet 324, MedGen C0002986, MONDO:0010526, OMIM 301500, HP:0001071. Disease mechanism: Fabry disease is due to inactivating mutations in the X-linked GLA gene resulting in deficiency of the enzyme Alpha Galactosidase-A., loss of function.

Submission:

Genomenon, Inc
Classification: Likely pathogenic for Fabry disease. Last evaluated: 2026-09-08. Review status: criteria provided, single submitter. Criteria: Genomenon Sequence Variant Interpretation Standards - Updated. Collection method: curation. Allele origin: germline. Affected: yes.
Comment: GLA p.Gln321Leu (c.962A>T) is a missense variant that changes the amino acid at codon 321 from Glutamine to Leucine. This variant has been observed in at least one proband with clinical features consistent with Fabry disease (PMID:20022777). At least one functional study has demonstrated a substantial alteration in protein function relative to the wild-type (PMID:27657681). It is absent or not present at a significant frequency in gnomAD. In silico models predict that this variant is possibly or probably damaging. In conclusion, we classify GLA p.Gln321Leu (c.962A>T) as a likely pathogenic variant.

Literature cited by the submitters: PubMed 20022777; PubMed 27657681.